The following is an entry in ClinVar:

NM_005535.3(IL12RB1):c.830G>A (p.Gly277Asp)

Gene: IL12RB1 (interleukin 12 receptor subunit beta 1; minus strand). Cytogenetic location: 19p13.11.
Variant type: single nucleotide variant.
Coding change: c.830G>A on transcript NM_005535.3 (MANE Select); coding-DNA position 830, G replaced by A.
Protein change: p.Gly277Asp; replaces glycine 277 with aspartic acid.
Molecular consequence: missense variant.
Genome position (GRCh38, 1-based): chr19:18,072,303, C>T on the plus strand (G>A on the coding strand, the complement: IL12RB1 is on the minus strand). VCF-style: chr19-18072303-C-T. GRCh37 (hg19) VCF-style: chr19-18183113-C-T.
Other names: c.830G>A, p.Gly277Asp (NM_001290023.2, NM_153701.3); c.950G>A, p.Gly317Asp (NM_001290024.2); short protein forms G277D, G317D.
Identifiers: ClinVar variation 1061807 (VCV001061807.7), dbSNP rs1419753903, ClinGen allele CA404780446.

ClinVar aggregate classification (germline): Uncertain significance (1 of 4 stars; one submission).

Conditions:
Mendelian susceptibility to mycobacterial diseases due to complete IL12RB1 deficiency. Also called: Immunodeficiency 30; IL12RB1 DEFICIENCY. Identifiers: Orphanet 319552, MedGen C4013949, MONDO:0013955, OMIM 614891.

Allele frequency attached by ClinVar (database versions not stated): TOPMed 0.00001.
gnomAD v4.1: 6 of 1,614,028 alleles (0.00037%); highest among the groups gnomAD compares: Admixed American, 0.0017%; no homozygotes.

Submission:

Labcorp Genetics (formerly Invitae), Labcorp
Classification: Uncertain significance for Mendelian susceptibility to mycobacterial diseases due to complete IL12RB1 deficiency. Last evaluated: 2025-07-28. Review status: criteria provided, single submitter. Criteria: Invitae Variant Classification Sherloc (09022015). Collection method: clinical testing. Allele origin: germline.
Comment: This sequence change replaces glycine, which is neutral and non-polar, with aspartic acid, which is acidic and polar, at codon 277 of the IL12RB1 protein (p.Gly277Asp). This variant is not present in population databases (gnomAD no frequency). This variant has not been reported in the literature in individuals affected with IL12RB1-related conditions. ClinVar contains an entry for this variant (Variation ID: 1061807). Invitae Evidence Modeling of protein sequence and biophysical properties (such as structural, functional, and spatial information, amino acid conservation, physicochemical variation, residue mobility, and thermodynamic stability) indicates that this missense variant is not expected to disrupt IL12RB1 protein function with a negative predictive value of 80%. In summary, the available evidence is currently insufficient to determine the role of this variant in disease. Therefore, it has been classified as a Variant of Uncertain Significance.